The following is an entry in ClinVar:

NM_001606.5(ABCA2):c.4903del (p.Val1635fs)

Gene: ABCA2 (ATP binding cassette subfamily A member 2; minus strand). Cytogenetic location: 9q34.3.
Variant type: Deletion.
Coding change: c.4903del on transcript NM_001606.5 (MANE Select); coding-DNA position 4903, one base deleted (G; older notation c.4903delG).
Protein change: p.Val1635fs; shifts the reading frame from valine 1635.
Molecular consequence: frameshift variant.
Genome position (GRCh38, 1-based): chr9:137,012,890, C deleted on the plus strand (G on the coding strand, the reverse complement: ABCA2 is on the minus strand); the first of 2 consecutive C bases (chr9:137,012,890-137,012,891); deleting either gives the same sequence. VCF-style (leftmost placement, unchanged base first): chr9-137012889-AC-A. GRCh37 (hg19) VCF-style: chr9-139907341-AC-A.
Other names: 1-BP DEL, 4993G; c.4993del, p.Val1665fs (NM_212533.3); c.4993delG (NM_212533.2); short protein forms V1665fs, V1635fs.
Identifiers: ClinVar variation 637957 (VCV000637957.4), dbSNP rs1588511352, ClinGen allele CA915945820.

ClinVar aggregate classification (germline): Pathogenic. Review status: criteria provided, single submitter (1 of 4 stars). 2 submissions from 2 submitters: Pathogenic (1). 1 of the submissions does not count toward it. Last evaluated 2018-09-01.

Conditions:
Ataxia with Dysarthria.

Submissions (2):

Sadaf Naz Human Genetics Laboratory, University of the Punjab
Classification: Pathogenic for Ataxia with Dysarthria. Last evaluated: 2018-09-01. Review status: criteria provided, single submitter. Criteria: Submitter's Publication. Collection method: research. Allele origin: inherited. Inheritance: Autosomal recessive inheritance. Affected: yes.
Comment: The Val1665TyrfsTer36 variant in ABCA2 has been reported in a consanguineous Pakistani family linked with ataxia and dysarthria and had autosomal recessive inheritance. This variant segregated in the family with the disorder and was absent from 100 samples of ethnically matched control population. ABCA2 variant disrupts lipid transport in the body. Hence, the Val1665TyrfsTer36 variant meets our criteria to be classified as pathogenic.

OMIM
Classification: Uncertain significance for VARIANT OF UNKNOWN SIGNIFICANCE. Last evaluated: 2020-03-27. Review status: no assertion criteria provided. Collection method: literature only. Allele origin: germline. Not counted in ClinVar's aggregate classification.

Literature cited by the submitters: DOI 10.1016/j.parkreldis.2019.04.017 (cited by Sadaf Naz Human Genetics Laboratory, University of the Punjab); PubMed 31047799 (cited by OMIM).